The following is an entry in ClinVar:

NM_206933.4(USH2A):c.8884C>A (p.Leu2962Ile)

Gene: USH2A (usherin; minus strand). Cytogenetic location: 1q41.
Variant type: single nucleotide variant.
Coding change: c.8884C>A on transcript NM_206933.4 (MANE Select); coding-DNA position 8884, C replaced by A.
Protein change: p.Leu2962Ile; replaces leucine 2962 with isoleucine.
Molecular consequence: missense variant.
Genome position (GRCh38, 1-based): chr1:215,845,995, G>T on the plus strand (C>A on the coding strand, the complement: USH2A is on the minus strand). VCF-style: chr1-215845995-G-T. GRCh37 (hg19) VCF-style: chr1-216019337-G-T.
Other names: short protein forms L2962I.
Identifiers: ClinVar variation 438030 (VCV000438030.10), dbSNP rs761359720, ClinGen allele CA344842004.

ClinVar aggregate classification (germline): Uncertain significance. Review status: criteria provided, multiple submitters, no conflicts (2 of 4 stars). 7 submissions from 6 submitters: Uncertain significance (5). 2 of the submissions do not count toward it. Last evaluated 2024-09-23.

Conditions:
Usher syndrome type 2A. Also called: RETINAL DISEASE IN USHER SYNDROME TYPE IIA, MODIFIER OF; USHER SYNDROME, TYPE IIA. Identifiers: Orphanet 231178, Orphanet 886, MedGen C1848634, MONDO:0010169, OMIM 276901.
Retinitis pigmentosa 39 (RP39). Identifiers: Orphanet 791, MedGen C3151138, MONDO:0013436, OMIM 613809.
Retinitis pigmentosa (RP). Identifiers: Orphanet 791, MedGen C0035334, MeSH D012174, MONDO:0019200, OMIM 268000. Inheritance: Autosomal dominant, autosomal recessive and X linked inheritance.

Allele frequency attached by ClinVar (database versions not stated): gnomAD 0.00001.

Submissions (7):

Labcorp Genetics (formerly Invitae), Labcorp
Classification: Uncertain significance. Last evaluated: 2024-09-23. Review status: criteria provided, single submitter. Criteria: Invitae Variant Classification Sherloc (09022015). Collection method: clinical testing. Allele origin: germline.
Comment: This sequence change replaces leucine, which is neutral and non-polar, with isoleucine, which is neutral and non-polar, at codon 2962 of the USH2A protein (p.Leu2962Ile). This variant is present in population databases (no rsID available, gnomAD 0.01%). This missense change has been observed in individual(s) with retinitis pigmentosa (PMID: 28041643). ClinVar contains an entry for this variant (Variation ID: 438030). Invitae Evidence Modeling of protein sequence and biophysical properties (such as structural, functional, and spatial information, amino acid conservation, physicochemical variation, residue mobility, and thermodynamic stability) indicates that this missense variant is not expected to disrupt USH2A protein function with a negative predictive value of 95%. In summary, the available evidence is currently insufficient to determine the role of this variant in disease. Therefore, it has been classified as a Variant of Uncertain Significance.

Genome-Nilou Lab
Classification: Uncertain significance for Retinitis pigmentosa 39. Last evaluated: 2023-11-04. Review status: criteria provided, single submitter. Criteria: ACMG Guidelines, 2015. Collection method: clinical testing. Allele origin: germline. Affected: no.

Genome-Nilou Lab
Classification: Uncertain significance for Usher syndrome type 2A. Last evaluated: 2023-11-04. Review status: criteria provided, single submitter. Criteria: ACMG Guidelines, 2015. Collection method: clinical testing. Allele origin: germline. Affected: no.

GeneDx
Classification: Uncertain significance. Last evaluated: 2023-06-02. Review status: criteria provided, single submitter. Criteria: GeneDx Variant Classification Process June 2021. Collection method: clinical testing. Allele origin: germline. Affected: yes.
Comment: Not observed at significant frequency in large population cohorts (gnomAD); In silico analysis supports that this missense variant does not alter protein structure/function; This variant is associated with the following publications: (PMID: 28041643)

Blueprint Genetics
Classification: Uncertain significance. Last evaluated: 2021-06-28. Review status: criteria provided, single submitter. Criteria: ACMG Guidelines, 2015. Collection method: clinical testing. Allele origin: germline.

Counsyl
Classification: Uncertain significance for Usher syndrome type 2A; Retinitis pigmentosa 39. Last evaluated: 2017-10-06. Review status: no assertion criteria provided. Collection method: clinical testing. Allele origin: unknown. Not counted in ClinVar's aggregate classification.

NIHR Bioresource Rare Diseases, University of Cambridge
Classification: Uncertain significance for Retinitis pigmentosa. Last evaluated: 2015-01-01. Review status: no assertion criteria provided. Collection method: research. Allele origin: unknown. Affected: yes. Observed: 1 variant allele. Not counted in ClinVar's aggregate classification.

Literature cited by the submitters: PubMed 28041643 (cited by 3 submitters).